The following is an entry in ClinVar:

NM_001244008.2(KIF1A):c.1985G>A (p.Arg662Gln)

Gene: KIF1A (kinesin family member 1A; minus strand). Cytogenetic location: 2q37.3.
Variant type: single nucleotide variant.
Coding change: c.1985G>A on transcript NM_001244008.2 (MANE Select); coding-DNA position 1985, G replaced by A.
Protein change: p.Arg662Gln; replaces arginine 662 with glutamine.
Molecular consequence: missense variant.
Genome position (GRCh38, 1-based): chr2:240,763,056, C>T on the plus strand (G>A on the coding strand, the complement: KIF1A is on the minus strand). VCF-style: chr2-240763056-C-T. GRCh37 (hg19) VCF-style: chr2-241702473-C-T.
Other names: c.2033G>A, p.Arg678Gln (NM_001379637.1, NM_001379648.1); c.1985G>A, p.Arg662Gln (NM_001379638.1, NM_001320705.2, NM_001330289.2); c.1958G>A, p.Arg653Gln (NM_001379639.1, NM_001379640.1, NM_001379641.1 and 11 more transcripts); c.2060G>A, p.Arg687Gln (NM_001379646.1, NM_001330290.2, NM_001379631.1 and 2 more transcripts); short protein forms R687Q, R662Q, R678Q, R653Q.
Identifiers: ClinVar variation 2940520 (VCV002940520.4), dbSNP rs1445947271, ClinGen allele CA351326652.

ClinVar aggregate classification (germline): Uncertain significance. Review status: criteria provided, multiple submitters, no conflicts (2 of 4 stars). 2 submissions from 2 submitters: Uncertain significance (2). Last evaluated 2025-12-22.

Conditions:
Hereditary spastic paraplegia 30. Identifiers: Orphanet 101010, MedGen C5235139, MONDO:0012476.
Neuropathy, hereditary sensory, type 2C. Also called: Hereditary sensory and autonomic neuropathy type IIC; KIF1A-Related HSAN2 (HSAN2C). Identifiers: Orphanet 970, MedGen C3280168, MONDO:0013634, OMIM 614213.
Intellectual disability, autosomal dominant 9 (NESCAVS). Also called: KIF1A-Related Neurodevelopmental Disorder; NESCAV SYNDROME. Identifiers: Orphanet 662367, MedGen C5393830, MONDO:0013656, OMIM 614255.
KIF1A-related disorder. Also called: KIF1A-related disorders; KIF1A-related condition.

Allele frequency attached by ClinVar (database versions not stated): gnomAD exomes below 0.00001; TOPMed below 0.00001.
gnomAD v4.1: 3 of 1,544,064 alleles (0.00019%); highest among the groups gnomAD compares: African/African-American, 0.0014%; no homozygotes.

Submissions (2):

PreventionGenetics, part of Exact Sciences
Classification: Uncertain significance for KIF1A-related condition. Last evaluated: 2025-12-22. Review status: criteria provided, single submitter. Criteria: ACMG Guidelines, 2015. Collection method: clinical testing. Allele origin: germline.
Comment: The KIF1A c.1985G>A variant is predicted to result in the amino acid substitution p.Arg662Gln. To our knowledge, this variant has not been reported in the literature. An alternate missense change at the same amino acid position (p.Arg662Pro) has been reported as a variant of uncertain significance in an individual affected with ataxia and developmental delay (described as 2:241702473C>G in Table S2 in Sanchis-Juan et al. 2023. PubMed ID: 37541188). This variant is reported in 0.0022% of alleles in individuals of European (Non-Finnish) descent in gnomAD. At this time, the clinical significance of this variant is uncertain due to the absence of conclusive functional and genetic evidence.

Labcorp Genetics (formerly Invitae), Labcorp
Classification: Uncertain significance for Hereditary spastic paraplegia 30; Neuropathy, hereditary sensory, type 2C; Intellectual disability, autosomal dominant 9. Last evaluated: 2024-06-12. Review status: criteria provided, single submitter. Criteria: Invitae Variant Classification Sherloc (09022015). Collection method: clinical testing. Allele origin: germline.
Comment: This sequence change replaces arginine, which is basic and polar, with glutamine, which is neutral and polar, at codon 653 of the KIF1A protein (p.Arg653Gln). The frequency data for this variant in the population databases is considered unreliable, as metrics indicate poor data quality at this position in the gnomAD database. This variant has not been reported in the literature in individuals affected with KIF1A-related conditions. Advanced modeling of protein sequence and biophysical properties (such as structural, functional, and spatial information, amino acid conservation, physicochemical variation, residue mobility, and thermodynamic stability) has been performed at Invitae for this missense variant, however the output from this modeling did not meet the statistical confidence thresholds required to predict the impact of this variant on KIF1A protein function. In summary, the available evidence is currently insufficient to determine the role of this variant in disease. Therefore, it has been classified as a Variant of Uncertain Significance.